The following is an entry in ClinVar:

ClinVar aggregate classification (germline): Conflicting classifications of pathogenicity. Review status: criteria provided, conflicting classifications (1 of 4 stars). 3 submissions from 3 submitters: Likely pathogenic (1); Uncertain significance (2). Last evaluated 2026-08-27.

Conditions:
Hereditary cancer-predisposing syndrome. Also called: Neoplastic Syndromes, Hereditary; Hereditary neoplastic syndrome; Hereditary Cancer Syndrome; Tumor predisposition. Identifiers: Orphanet 140162, MedGen C0027672, MeSH D009386, MONDO:0015356.
CHEK2-related disorder.
Familial cancer of breast. Also called: hereditary breast carcinoma; Hereditary breast cancer; BREAST CANCER, FAMILIAL. Identifiers: Orphanet 227535, MedGen C0346153, MONDO:0016419, OMIM 114480. Disease mechanism: loss of function.

Submissions (3):

Ambry Genetics
Classification: Likely pathogenic for Hereditary cancer-predisposing syndrome. Last evaluated: 2026-08-27. Review status: criteria provided, single submitter. Criteria: Ambry Variant Classification Scheme 2023. Collection method: clinical testing. Allele origin: germline.
Comment: The c.401A>G variant (also known as p.D134G), located in coding exon 2 of the CHEK2 gene, results from an A to G substitution at nucleotide position 401. The aspartic acid at codon 134 is replaced by glycine, an amino acid with similar properties. This nucleotide position is well conserved in available vertebrate species. In silico splice site analysis predicts that this alteration will weaken the native splice donor site and will result in the creation or strengthening of a novel splice donor site. RNA studies have demonstrated that this alteration results in abnormal splicing in the set of samples tested (Ambry internal data). Based on the majority of available evidence to date, this variant is likely to be pathogenic.

Labcorp Genetics (formerly Invitae), Labcorp
Classification: Uncertain significance for Familial cancer of breast. Last evaluated: 2025-01-15. Review status: criteria provided, single submitter. Criteria: Invitae Variant Classification Sherloc (09022015). Collection method: clinical testing. Allele origin: germline.
Comment: This sequence change replaces aspartic acid, which is acidic and polar, with glycine, which is neutral and non-polar, at codon 134 of the CHEK2 protein (p.Asp134Gly). This variant is not present in population databases (gnomAD no frequency). This variant has not been reported in the literature in individuals affected with CHEK2-related conditions. ClinVar contains an entry for this variant (Variation ID: 483397). An algorithm developed to predict the effect of missense changes on protein structure and function (PolyPhen-2) suggests that this variant is likely to be tolerated. Algorithms developed to predict the effect of sequence changes on RNA splicing suggest that this variant may disrupt the consensus splice site. In summary, the available evidence is currently insufficient to determine the role of this variant in disease. Therefore, it has been classified as a Variant of Uncertain Significance.

PreventionGenetics, part of Exact Sciences
Classification: Uncertain significance for CHEK2-related condition. Last evaluated: 2023-08-13. Review status: criteria provided, single submitter. Criteria: ACMG Guidelines, 2015. Collection method: clinical testing. Allele origin: germline.
Comment: The CHEK2 c.401A>G variant is predicted to result in the amino acid substitution p.Asp134Gly. This variant is predicted to alter splicing based on available splicing prediction programs (Alamut Visual Plus v1.6.1). However, the use of computer prediction programs is not equivalent to functional evidence. To our knowledge, this variant has not been reported as a germline variant in the literature or in a large population database, indicating this variant is rare. This variant has conflicting interpretations of pathogenicity in ClinVar ranging from likely pathogenic to uncertain. At this time, the clinical significance of this variant is uncertain due to the absence of conclusive functional and genetic evidence.

NM_007194.4(CHEK2):c.401A>G (p.Asp134Gly)

Gene: CHEK2 (checkpoint kinase 2; minus strand). Cytogenetic location: 22q12.1.
Variant type: single nucleotide variant.
Coding change: c.401A>G on transcript NM_007194.4 (MANE Select); coding-DNA position 401, A replaced by G.
Protein change: p.Asp134Gly; replaces aspartic acid 134 with glycine.
Molecular consequence: missense variant.
Genome position (GRCh38, 1-based): chr22:28,725,286, T>C on the plus strand (A>G on the coding strand, the complement: CHEK2 is on the minus strand). VCF-style: chr22-28725286-T-C. GRCh37 (hg19) VCF-style: chr22-29121274-T-C.
Other names: c.530A>G, p.Asp177Gly (NM_001005735.3); c.-377A>G (NM_001257387.3); c.401A>G, p.Asp134Gly (NM_001349956.3, NM_145862.3); short protein forms D134G, D177G.
Identifiers: ClinVar variation 483397 (VCV000483397.18), dbSNP rs1404473412, ClinGen allele CA411108009.